The following is an entry in ClinVar:

NM_001130145.3(YAP1):c.129_140del (p.Ala44_Ala47del)

Gene: YAP1 (Yes1 associated transcriptional regulator; plus strand). Cytogenetic location: 11q22.1.
Variant type: Deletion.
Coding change: c.129_140del on transcript NM_001130145.3 (MANE Select); coding-DNA positions 129 to 140, 12 bases deleted (GGCGCCGCAGGC).
Protein change: p.Ala44_Ala47del.
Molecular consequence: inframe deletion.
Genome position (GRCh38, 1-based): chr11:102,110,977-102,110,988, GGCGCCGCAGGC deleted; deleting any 12 consecutive bases within chr11:102,110,972-102,110,988 gives the same sequence; the c. name uses the placement nearest the transcript's 3' end. VCF-style (leftmost placement, unchanged base first): chr11-102110971-CCAGGCGGCGCCG-C. GRCh37 (hg19) VCF-style: chr11-101981702-CCAGGCGGCGCCG-C.
Other names: c.129_140del12 (NM_001130145.2); c.129_140del, p.Ala44_Ala47del (NM_001195044.2, NM_001282097.2, NM_001282098.2 and 4 more transcripts).
Identifiers: ClinVar variation 2884801 (VCV002884801.5), dbSNP rs1942859608, ClinGen allele CA941610100.

ClinVar aggregate classification (germline): Uncertain significance. Review status: criteria provided, single submitter (1 of 4 stars). 2 submissions from 2 submitters: Uncertain significance (1). 1 of the submissions does not count toward it. Last evaluated 2023-11-09.

Conditions:
YAP1-related disorder. Also called: YAP1-related condition.

Submissions (2):

Labcorp Genetics (formerly Invitae), Labcorp
Classification: Uncertain significance. Last evaluated: 2023-11-09. Review status: criteria provided, single submitter. Criteria: Invitae Variant Classification Sherloc (09022015). Collection method: clinical testing. Allele origin: germline.
Comment: This variant, c.129_140del, results in the deletion of 4 amino acid(s) of the YAP1 protein (p.Ala44_Ala47del), but otherwise preserves the integrity of the reading frame. This variant is not present in population databases (gnomAD no frequency). This variant has not been reported in the literature in individuals affected with YAP1-related conditions. In summary, the available evidence is currently insufficient to determine the role of this variant in disease. Therefore, it has been classified as a Variant of Uncertain Significance.

PreventionGenetics, part of Exact Sciences
Classification: Uncertain significance for YAP1-related condition. Last evaluated: 2023-12-29. Review status: no assertion criteria provided. Collection method: clinical testing. Allele origin: germline. Not counted in ClinVar's aggregate classification.
Comment: The YAP1 c.129_140del12 variant is predicted to result in an in-frame deletion (p.Ala44_Ala47del). To our knowledge, this variant has not been reported in the literature or in a large population database, indicating this variant is rare. At this time, the clinical significance of this variant is uncertain due to the absence of conclusive functional and genetic evidence.